The following is an entry in ClinVar:

NM_000047.3(ARSL):c.987G>A (p.Met329Ile)

Gene: ARSL (arylsulfatase L; minus strand). Cytogenetic location: Xp22.33.
Variant type: single nucleotide variant.
Coding change: c.987G>A on transcript NM_000047.3 (MANE Select); coding-DNA position 987, G replaced by A.
Protein change: p.Met329Ile; replaces methionine 329 with isoleucine.
Molecular consequence: missense variant.
Genome position (GRCh38, 1-based): chrX:2,946,002, C>T on the plus strand (G>A on the coding strand, the complement: ARSL is on the minus strand). VCF-style: chrX-2946002-C-T. GRCh37 (hg19) VCF-style: chrX-2864043-C-T.
Other names: c.1062G>A, p.Met354Ile (NM_001282628.2, NM_001369080.1); c.825G>A, p.Met275Ile (NM_001282631.2); c.1014G>A, p.Met338Ile (NM_001369079.1); c.987G>A (NM_000047.2); short protein forms M275I, M329I, M338I, M354I.
Identifiers: ClinVar variation 1683191 (VCV001683191.6), dbSNP rs199757831, ClinGen allele CA10338116.

ClinVar aggregate classification (germline): Conflicting classifications of pathogenicity. Review status: criteria provided, conflicting classifications (1 of 4 stars). 2 submissions from 2 submitters: Uncertain significance (1); Likely benign (1). Last evaluated 2025-08-29.

Conditions:
Chondrodysplasia punctata, brachytelephalangic, autosomal. Also called: BRACHYTELEPHALANGIC CHONDRODYSPLASIA PUNCTATA. Identifiers: MedGen C1844853, MONDO:0011238, OMIM 602497.
Inborn genetic diseases. Identifiers: MedGen C0950123, MeSH D030342.

Allele frequency attached by ClinVar (database versions not stated): gnomAD 0.00011 and 0.00012; ExAC 0.00018; ESP Exome Variant Server 0.00019; gnomAD exomes 0.00032 and 0.00014; TOPMed 0.00008.
gnomAD v4.1: 364 of 1,209,140 alleles (0.03%); highest among the groups gnomAD compares: Non-Finnish European, 0.036%; no homozygotes.

Submissions (2):

Labcorp Genetics (formerly Invitae), Labcorp
Classification: Uncertain significance for Chondrodysplasia punctata, brachytelephalangic, autosomal. Last evaluated: 2025-08-29. Review status: criteria provided, single submitter. Criteria: Invitae Variant Classification Sherloc (09022015). Collection method: clinical testing. Allele origin: germline.
Comment: This sequence change replaces methionine, which is neutral and non-polar, with isoleucine, which is neutral and non-polar, at codon 329 of the ARSE protein (p.Met329Ile). This variant is present in population databases (rs199757831, gnomAD 0.03%). This variant has not been reported in the literature in individuals affected with ARSE-related conditions. ClinVar contains an entry for this variant (Variation ID: 1683191). Invitae Evidence Modeling of protein sequence and biophysical properties (such as structural, functional, and spatial information, amino acid conservation, physicochemical variation, residue mobility, and thermodynamic stability) indicates that this missense variant is not expected to disrupt ARSE protein function with a negative predictive value of 80%. In summary, the available evidence is currently insufficient to determine the role of this variant in disease. Therefore, it has been classified as a Variant of Uncertain Significance.

Ambry Genetics
Classification: Likely benign for Inborn genetic diseases. Last evaluated: 2023-12-27. Review status: criteria provided, single submitter. Criteria: Ambry Variant Classification Scheme 2023. Collection method: clinical testing. Allele origin: germline.